The following is an entry in ClinVar:

ClinVar aggregate classification (germline): Uncertain significance (1 of 4 stars; one submission).

Conditions:
Primary ciliary dyskinesia 6. Also called: Primary Ciliary Dyskinesia 6: TXNDC3-Related Primary Ciliary Dyskinesia. Identifiers: Orphanet 244, MedGen C1970506, MONDO:0012571, OMIM 610852.

gnomAD v4.1: 2 of 1,613,552 alleles (0.00012%); highest among the groups gnomAD compares: Admixed American, 0.0017%; no homozygotes.

Submission:

Labcorp Genetics (formerly Invitae), Labcorp
Classification: Uncertain significance for Primary ciliary dyskinesia 6. Last evaluated: 2024-06-20. Review status: criteria provided, single submitter. Criteria: Invitae Variant Classification Sherloc (09022015). Collection method: clinical testing. Allele origin: germline.
Comment: This sequence change replaces cysteine, which is neutral and slightly polar, with tryptophan, which is neutral and slightly polar, at codon 418 of the NME8 protein (p.Cys418Trp). This variant is present in population databases (rs759612452, gnomAD 0.003%). This variant has not been reported in the literature in individuals affected with NME8-related conditions. Advanced modeling of protein sequence and biophysical properties (such as structural, functional, and spatial information, amino acid conservation, physicochemical variation, residue mobility, and thermodynamic stability) has been performed at Invitae for this missense variant, however the output from this modeling did not meet the statistical confidence thresholds required to predict the impact of this variant on NME8 protein function. In summary, the available evidence is currently insufficient to determine the role of this variant in disease. Therefore, it has been classified as a Variant of Uncertain Significance.

NM_016616.5(NME8):c.1254T>G (p.Cys418Trp)

Gene: NME8 (NME/NM23 family member 8; plus strand). Cytogenetic location: 7p14.1.
Variant type: single nucleotide variant.
Coding change: c.1254T>G on transcript NM_016616.5 (MANE Select); coding-DNA position 1254, T replaced by G.
Protein change: p.Cys418Trp; replaces cysteine 418 with tryptophan.
Molecular consequence: missense variant.
Genome position (GRCh38, 1-based): chr7:37,888,283, T>G. VCF-style: chr7-37888283-T-G. GRCh37 (hg19) VCF-style: chr7-37927885-T-G.
Other names: short protein forms C418W.
Identifiers: ClinVar variation 3609898 (VCV003609898.2).